The following is an entry in ClinVar:

NM_025137.4(SPG11):c.7064T>C (p.Val2355Ala)

Gene: SPG11 (SPG11 vesicle trafficking associated, spatacsin; minus strand). Cytogenetic location: 15q21.1.
Variant type: single nucleotide variant.
Coding change: c.7064T>C on transcript NM_025137.4 (MANE Select); coding-DNA position 7064, T replaced by C.
Protein change: p.Val2355Ala; replaces valine 2355 with alanine.
Molecular consequence: missense variant.
Genome position (GRCh38, 1-based): chr15:44,564,634, A>G on the plus strand (T>C on the coding strand, the complement: SPG11 is on the minus strand). VCF-style: chr15-44564634-A-G. GRCh37 (hg19) VCF-style: chr15-44856832-A-G.
Other names: c.6725T>C, p.Val2242Ala (NM_001160227.2); c.6920T>C, p.Val2307Ala (NM_001411132.1); short protein forms V2242A, V2307A, V2355A.
Identifiers: ClinVar variation 1756968 (VCV001756968.2), dbSNP rs757736340, ClinGen allele CA7533907.

ClinVar aggregate classification (germline): Uncertain significance (1 of 4 stars; one submission).

Conditions:
Inborn genetic diseases. Identifiers: MedGen C0950123, MeSH D030342.

Allele frequency attached by ClinVar (database versions not stated): gnomAD exomes below 0.00001; ExAC 0.00001; gnomAD 0.00002; TOPMed 0.00002.
gnomAD v4.1: 5 of 1,613,922 alleles (0.00031%); highest among the groups gnomAD compares: African/African-American, 0.0067%; no homozygotes.

Submission:

Ambry Genetics
Classification: Uncertain significance for Inborn genetic diseases. Last evaluated: 2020-10-20. Review status: criteria provided, single submitter. Criteria: Ambry Variant Classification Scheme 2023. Collection method: clinical testing. Allele origin: germline.
Comment: The p.V2355A variant (also known as c.7064T>C), located in coding exon 39 of the SPG11 gene, results from a T to C substitution at nucleotide position 7064. The valine at codon 2355 is replaced by alanine, an amino acid with similar properties. This amino acid position is highly conserved in available vertebrate species. In addition, this alteration is predicted to be deleterious by in silico analysis. Since supporting evidence is limited at this time, the clinical significance of this alteration remains unclear.